The following is an entry in ClinVar:

ClinVar aggregate classification (germline): Uncertain significance (1 of 4 stars; one submission).

Conditions:
Cardiovascular phenotype. Identifiers: MedGen CN230736.

Allele frequency attached by ClinVar (database versions not stated): TOPMed below 0.00001; gnomAD 0.00001.
gnomAD v4.1: 2 of 1,614,080 alleles (0.00012%); highest among the groups gnomAD compares: African/African-American, 0.0027%; no homozygotes.

Submission:

Ambry Genetics
Classification: Uncertain significance for Cardiovascular phenotype. Last evaluated: 2021-08-31. Review status: criteria provided, single submitter. Criteria: Ambry Variant Classification Scheme 2023. Collection method: clinical testing. Allele origin: germline.
Comment: The p.F1766L variant (also known as c.5298C>A), located in coding exon 26 of the APOB gene, results from a C to A substitution at nucleotide position 5298. The phenylalanine at codon 1766 is replaced by leucine, an amino acid with highly similar properties. This amino acid position is conserved. In addition, this alteration is predicted to be tolerated by in silico analysis. Since supporting evidence is limited at this time, the clinical significance of this alteration remains unclear.

NM_000384.3(APOB):c.5298C>A (p.Phe1766Leu)

Gene: APOB (apolipoprotein B; minus strand). Cytogenetic location: 2p24.1.
Variant type: single nucleotide variant.
Coding change: c.5298C>A on transcript NM_000384.3 (MANE Select); coding-DNA position 5298, C replaced by A.
Protein change: p.Phe1766Leu; replaces phenylalanine 1766 with leucine.
Molecular consequence: missense variant.
Genome position (GRCh38, 1-based): chr2:21,011,570, G>T on the plus strand (C>A on the coding strand, the complement: APOB is on the minus strand). VCF-style: chr2-21011570-G-T. GRCh37 (hg19) VCF-style: chr2-21234442-G-T.
Other names: short protein forms F1766L.
Identifiers: ClinVar variation 1746660 (VCV001746660.2), dbSNP rs1233873196, ClinGen allele CA346005032.
Genomic context (GRCh38, chr2:21,011,570, plus strand): 5'-TAAATTAACAGTTTGCTTATAAAACTTGTCAGAGCTGTAAATGTTGTCAAGTTTTGAAGA[G>T]AAGTCCAGTGATAAGCCTGCAATGTTCAGACTGTTTGTGTGGTCAAATTTCATTTCAGCA-3'
Protein context (NP_000375.3, residues 1756-1776): SLNIAGLSLD[Phe1766Leu]SSKLDNIYSS